The following is an entry in ClinVar:

ClinVar aggregate classification (germline): Uncertain significance. Review status: criteria provided, multiple submitters, no conflicts (2 of 4 stars). 3 submissions from 3 submitters: Uncertain significance (3). Last evaluated 2026-01-19.

Conditions:
Hereditary cancer-predisposing syndrome. Also called: Hereditary neoplastic syndrome; Tumor predisposition; Neoplastic Syndromes, Hereditary; Hereditary Cancer Syndrome. Identifiers: Orphanet 140162, MedGen C0027672, MeSH D009386, MONDO:0015356.

Allele frequency attached by ClinVar (database versions not stated): gnomAD 0.00001; ExAC 0.00002; TOPMed 0.00002; gnomAD exomes 0.00004.
gnomAD v4.1: 12 of 1,613,406 alleles (0.00074%); highest among the groups gnomAD compares: Admixed American, 0.01%; no homozygotes.

Submissions (3):

Labcorp Genetics (formerly Invitae), Labcorp
Classification: Uncertain significance. Last evaluated: 2026-01-19. Review status: criteria provided, single submitter. Criteria: Invitae Variant Classification Sherloc (09022015). Collection method: clinical testing. Allele origin: germline.
Comment: This sequence change replaces leucine, which is neutral and non-polar, with valine, which is neutral and non-polar, at codon 31 of the XRCC2 protein (p.Leu31Val). This variant is present in population databases (rs748198457, gnomAD 0.02%). This variant has not been reported in the literature in individuals affected with XRCC2-related conditions. ClinVar contains an entry for this variant (Variation ID: 418544). Invitae Evidence Modeling of protein sequence and biophysical properties (such as structural, functional, and spatial information, amino acid conservation, physicochemical variation, residue mobility, and thermodynamic stability) indicates that this missense variant is not expected to disrupt XRCC2 protein function with a negative predictive value of 80%. In summary, the available evidence is currently insufficient to determine the role of this variant in disease. Therefore, it has been classified as a Variant of Uncertain Significance.

Ambry Genetics
Classification: Uncertain significance for Hereditary cancer-predisposing syndrome. Last evaluated: 2023-02-23. Review status: criteria provided, single submitter. Criteria: Ambry Variant Classification Scheme 2023. Collection method: clinical testing. Allele origin: germline.
Comment: The p.L31V variant (also known as c.91C>G), located in coding exon 2 of the XRCC2 gene, results from a C to G substitution at nucleotide position 91. The leucine at codon 31 is replaced by valine, an amino acid with highly similar properties. This alteration has been reported in one individual from a cohort of 105 high-risk breast/ovarian cancer families that were not associated with either BRCA1 or BRCA2 mutations (Rodr&iacute;guez-L&oacute;pez R et al. Int. J. Cancer, 2003 Jan;103:136-7). Rodr&iacute;guez-L&oacute;pez et al. concluded that this alteration was consistent with being a rare polymorphism due to lack of segregation in this family and absent of loss of heterozygosity in the probands tumor. This amino acid position is highly conserved in available vertebrate species. In addition, the in silico prediction for this alteration is inconclusive. Since supporting evidence is limited at this time, the clinical significance of this alteration remains unclear.

GeneDx
Classification: Uncertain significance. Last evaluated: 2015-01-02. Review status: criteria provided, single submitter. Criteria: GeneDx Variant Classification (06012015). Collection method: clinical testing. Allele origin: germline. Affected: yes.
Comment: This variant is denoted XRCC2 c.91C>G at the cDNA level and p.Leu31Val (L31V) at the protein level, and results in the change of a Leucine to a Valine (CTG>GTG). This variant was observed in an individual with breast cancer from a high-risk breast/ovarian cancer family who previously tested negative for a mutation in BRCA1/2 (Rodriguez-Lopez 2003). Segregation analysis showed that this variant was not present in an affected relative and additional tumor analysis did not show loss-of-heterozygosity of the allele (Rodriguez-Lopez 2003). This variant was not observed in approximately 6,500 individuals of European and African American ancestry in the NHLBI Exome Sequencing Project, suggesting it is not a common benign variant in these populations. Since Leucine and Valine share similar properties, this is considered a conservative amino acid substitution. XRCC2 Leu31Val occurs at a position that is highly conserved across mammals and is located in the C-terminal domain (Miller 2004). In silico analyses predict that this variant is probably damaging to protein structure and function. Based on currently available information, it is unclear whether XRCC2 Leu31Val is pathogenic or benign. We consider it to be a variant of uncertain significance.

Literature cited by the submitters: PubMed 12455067 (cited by Ambry Genetics); PubMed 15855896 (cited by Ambry Genetics).

NM_005431.2(XRCC2):c.91C>G (p.Leu31Val)

Gene: XRCC2 (X-ray repair cross complementing 2; minus strand). Cytogenetic location: 7q36.1.
Variant type: single nucleotide variant.
Coding change: c.91C>G on transcript NM_005431.2 (MANE Select); coding-DNA position 91, C replaced by G.
Protein change: p.Leu31Val; replaces leucine 31 with valine.
Molecular consequence: missense variant.
Genome position (GRCh38, 1-based): chr7:152,660,731, G>C on the plus strand (C>G on the coding strand, the complement: XRCC2 is on the minus strand). VCF-style: chr7-152660731-G-C. GRCh37 (hg19) VCF-style: chr7-152357816-G-C.
Other names: short protein forms L31V.
Identifiers: ClinVar variation 418544 (VCV000418544.12), dbSNP rs748198457, ClinGen allele CA4582405.